The following is an entry in ClinVar:

ClinVar aggregate classification (germline): Uncertain significance (1 of 4 stars; one submission).

gnomAD v4.1: 16 of 1,607,156 alleles (0.001%); highest among the groups gnomAD compares: Admixed American, 0.0084%; no homozygotes.

Submission:

CeGaT Center for Human Genetics Tuebingen
Classification: Uncertain significance. Last evaluated: 2024-07-01. Review status: criteria provided, single submitter. Criteria: CeGaT Center For Human Genetics Tuebingen Variant Classification Criteria Version 2. Collection method: clinical testing. Allele origin: germline. Affected: yes. Observed: 1 variant allele.
Comment: TTN: PM2, BP4

NM_001267550.2(TTN):c.26191G>A (p.Ala8731Thr)

Gene: TTN (titin; minus strand). Cytogenetic location: 2q31.2.
Variant type: single nucleotide variant.
Coding change: c.26191G>A on transcript NM_001267550.2 (MANE Select); coding-DNA position 26191, G replaced by A.
Protein change: p.Ala8731Thr; replaces alanine 8731 with threonine.
Molecular consequence: missense variant. On other transcripts: intron variant (3).
Genome position (GRCh38, 1-based): chr2:178,714,995, C>T on the plus strand (G>A on the coding strand, the complement: TTN is on the minus strand). VCF-style: chr2-178714995-C-T. GRCh37 (hg19) VCF-style: chr2-179579722-C-T.
Other names: c.25240G>A, p.Ala8414Thr (NM_001256850.1); c.22459G>A, p.Ala7487Thr (NM_133378.4); c.13282+23087G>A (NM_003319.4); c.13858+23087G>A (NM_133437.4); c.13657+23087G>A (NM_133432.3); short protein forms A7487T, A8414T, A8731T.
Identifiers: ClinVar variation 3257150 (VCV003257150.17).